The following is an entry in ClinVar:

NC_012920.1(MT-TM):m.4451T>G

Gene: MT-TM (mitochondrially encoded tRNA methionine; plus strand).
Variant type: single nucleotide variant.
Genome position: chrM-4451-T-G.
Identifiers: ClinVar variation 689914 (VCV000689914.1), dbSNP rs1603219461, ClinGen allele CA913178213.

ClinVar aggregate classification (germline): Uncertain significance (1 of 4 stars; one submission).

Conditions:
MELAS syndrome (MELAS). Also called: Juvenile myopathy, encephalopathy, lactic acidosis, stroke. Identifiers: Orphanet 550, MedGen C0162671, MONDO:0010789, OMIM 540000.

Submission:

Wong Mito Lab, Molecular and Human Genetics, Baylor College of Medicine
Classification: Uncertain significance for MELAS syndrome. Last evaluated: 2019-07-12. Review status: criteria provided, single submitter. Criteria: Modified ACMG Guidelines (Unpublished). Collection method: clinical testing. Allele origin: germline.
Comment: The NC_012920.1:m.4451T>G variant in MT-TM gene is interpreted to be a Unknown Significance variant based on the modified ACMG guidelines (unpublished). This variant meets the following evidence codes reported in the guidelines: PP6, PP7

Literature cited by the submitters: PubMed 31965079.